The following is an entry in ClinVar:

ClinVar aggregate classification (germline): Uncertain significance (1 of 4 stars; one submission).

Conditions:
Inborn genetic diseases. Identifiers: MedGen C0950123, MeSH D030342.

Submission:

Ambry Genetics
Classification: Uncertain significance for Inborn genetic diseases. Last evaluated: 2026-04-12. Review status: criteria provided, single submitter. Criteria: Ambry Variant Classification Scheme 2023. Collection method: clinical testing. Allele origin: germline.
Comment: The p.G1283R variant (also known as c.3847G>C), located in coding exon 13 of the ASXL1 gene, results from a G to C substitution at nucleotide position 3847. The glycine at codon 1283 is replaced by arginine, an amino acid with dissimilar properties. This amino acid position is conserved. In addition, this alteration is predicted to be tolerated by in silico analysis. Based on the available evidence, the clinical significance of this variant remains unclear.

NM_015338.6(ASXL1):c.3847G>C (p.Gly1283Arg)

Gene: ASXL1 (ASXL transcriptional regulator 1; plus strand). Cytogenetic location: 20q11.21.
Variant type: single nucleotide variant.
Coding change: c.3847G>C on transcript NM_015338.6 (MANE Select); coding-DNA position 3847, G replaced by C.
Protein change: p.Gly1283Arg; replaces glycine 1283 with arginine.
Molecular consequence: missense variant.
Genome position (GRCh38, 1-based): chr20:32,436,559, G>C. VCF-style: chr20-32436559-G-C. GRCh37 (hg19) VCF-style: chr20-31024362-G-C.
Other names: c.3664G>C, p.Gly1222Arg (NM_001363734.1); short protein forms G1222R, G1283R.
Identifiers: ClinVar variation 4864218 (VCV004864218.1).